The following is an entry in ClinVar:

NM_015272.5(RPGRIP1L):c.2286G>T (p.Gly762=)

Gene: RPGRIP1L (RPGRIP1 like; minus strand). Cytogenetic location: 16q12.2.
Variant type: single nucleotide variant.
Coding change: c.2286G>T on transcript NM_015272.5 (MANE Select); coding-DNA position 2286, G replaced by T.
Protein change: p.Gly762=; no amino-acid change (glycine 762 retained).
Molecular consequence: synonymous variant.
Genome position (GRCh38, 1-based): chr16:53,648,982, C>A on the plus strand (G>T on the coding strand, the complement: RPGRIP1L is on the minus strand). VCF-style: chr16-53648982-C-A. GRCh37 (hg19) VCF-style: chr16-53682894-C-A.
Other names: c.2286G>T, p.Gly762= (NM_001127897.4, NM_001308334.3, NM_001330538.2); c.2286G>T (NM_015272.4).
Identifiers: ClinVar variation 1083106 (VCV001083106.11), dbSNP rs769599317, ClinGen allele CA495536326.

ClinVar aggregate classification (germline): Likely benign. Review status: criteria provided, single submitter (1 of 4 stars). 2 submissions from 2 submitters: Likely benign (1). 1 of the submissions does not count toward it. Last evaluated 2024-01-18.

Conditions:
Meckel-Gruber syndrome. Also called: Dysencephalia splachnocystica; GRUBER SYNDROME; DYSENCEPHALIA SPLANCHNOCYSTICA. Identifiers: Orphanet 564, MedGen C0265215, MONDO:0018921.
Joubert syndrome. Also called: Familial aplasia of the vermis; JOUBERT-BOLTSHAUSER SYNDROME. Identifiers: Orphanet 475, MedGen C5979921, MONDO:0018772.
RPGRIP1L-related disorder. Also called: RPGRIP1L-related condition; RPGRIP1L-related disorders. Identifiers: MedGen CN239416.

Allele frequency attached by ClinVar (database versions not stated): gnomAD 0.00001; TOPMed 0.00001.
gnomAD v4.1: 2 of 1,613,984 alleles (0.00012%); highest among the groups gnomAD compares: East Asian, 0.0022%; no homozygotes.

Submissions (2):

Labcorp Genetics (formerly Invitae), Labcorp
Classification: Likely benign for Joubert syndrome; Meckel-Gruber syndrome. Last evaluated: 2024-01-18. Review status: criteria provided, single submitter. Criteria: Invitae Variant Classification Sherloc (09022015). Collection method: clinical testing. Allele origin: germline.

PreventionGenetics, part of Exact Sciences
Classification: Likely benign for RPGRIP1L-related condition. Last evaluated: 2022-06-08. Review status: no assertion criteria provided. Collection method: clinical testing. Allele origin: germline. Not counted in ClinVar's aggregate classification.
Comment: This variant is classified as likely benign based on ACMG/AMP sequence variant interpretation guidelines (Richards et al. 2015 PMID: 25741868, with internal and published modifications).